The following is an entry in ClinVar:

NM_001018005.2(TPM1):c.31C>T (p.Leu11=)

Gene: TPM1 (tropomyosin 1; plus strand). Cytogenetic location: 15q22.2.
Variant type: single nucleotide variant.
Coding change: c.31C>T on transcript NM_001018005.2 (MANE Select); coding-DNA position 31, C replaced by T.
Protein change: p.Leu11=; no amino-acid change (leucine 11 retained).
Molecular consequence: synonymous variant.
Genome position (GRCh38, 1-based): chr15:63,042,860, C>T. VCF-style: chr15-63042860-C-T. GRCh37 (hg19) VCF-style: chr15-63335059-C-T.
Other names: c.31C>T, p.Leu11= (NM_000366.6, NM_001018004.2, NM_001018006.2 and 7 more transcripts); c.31C>T (NM_001018020.1).
Identifiers: ClinVar variation 511966 (VCV000511966.8), dbSNP rs766883758, ClinGen allele CA029075.

ClinVar aggregate classification (germline): Likely benign. Review status: criteria provided, multiple submitters, no conflicts (2 of 4 stars). 4 submissions from 4 submitters: Likely benign (4). Last evaluated 2026-07-23.

Conditions:
Hypertrophic cardiomyopathy. Also called: HYPERTROPHIC MYOCARDIOPATHY. Identifiers: Orphanet 217569, MedGen C0007194, MeSH D002312, MONDO:0005045, HP:0001639.
TPM1-related disorder. Also called: TPM1-related condition.
Cardiomyopathy (CMYO). Also called: Cardiomyopathies. Identifiers: Orphanet 167848, MedGen C0878544, MONDO:0004994, HP:0001638. Inheritance: Various modes of inheritance.

Allele frequency attached by ClinVar (database versions not stated): gnomAD exomes 0.00001 and 0.00002; TOPMed 0.00002; ExAC 0.00003.

Submissions (4):

PreventionGenetics, part of Exact Sciences
Classification: Likely benign for TPM1-related condition. Last evaluated: 2026-07-23. Review status: criteria provided, single submitter. Criteria: ACMG Guidelines, 2015. Collection method: clinical testing. Allele origin: germline.
Comment: This variant is classified as likely benign based on ACMG/AMP sequence variant interpretation guidelines (Richards et al. 2015 PMID: 25741868, with internal and published modifications).

Labcorp Genetics (formerly Invitae), Labcorp
Classification: Likely benign for Hypertrophic cardiomyopathy. Last evaluated: 2024-12-17. Review status: criteria provided, single submitter. Criteria: Invitae Variant Classification Sherloc (09022015). Collection method: clinical testing. Allele origin: germline.

Color Diagnostics, LLC DBA Color Health
Classification: Likely benign for Cardiomyopathy. Last evaluated: 2022-11-06. Review status: criteria provided, single submitter. Criteria: ACMG Guidelines, 2015. Collection method: clinical testing. Allele origin: germline.

GeneDx
Classification: Likely benign. Last evaluated: 2017-09-19. Review status: criteria provided, single submitter. Criteria: GeneDx Variant Classification (06012015). Collection method: clinical testing. Allele origin: germline. Affected: yes.
Comment: This variant is considered likely benign or benign based on one or more of the following criteria: it is a conservative change, it occurs at a poorly conserved position in the protein, it is predicted to be benign by multiple in silico algorithms, and/or has population frequency not consistent with disease.